The following is an entry in ClinVar:

NM_002834.5(PTPN11):c.1628C>T (p.Thr543Ile)

Gene: PTPN11 (protein tyrosine phosphatase non-receptor type 11; plus strand). Cytogenetic location: 12q24.13.
Variant type: single nucleotide variant.
Coding change: c.1628C>T on transcript NM_002834.5 (MANE Select); coding-DNA position 1628, C replaced by T.
Protein change: p.Thr543Ile; replaces threonine 543 with isoleucine.
Molecular consequence: missense variant.
Genome position (GRCh38, 1-based): chr12:112,502,172, C>T. VCF-style: chr12-112502172-C-T. GRCh37 (hg19) VCF-style: chr12-112939976-C-T.
Other names: c.1640C>T, p.Thr547Ile (NM_001330437.2); c.1625C>T, p.Thr542Ile (NM_001374625.1); short protein forms T543I, T547I, T542I.
Identifiers: ClinVar variation 378880 (VCV000378880.11), dbSNP rs1057520397, ClinGen allele CA16606472.

ClinVar aggregate classification (germline): Uncertain significance. Review status: criteria provided, multiple submitters, no conflicts (2 of 4 stars). 2 submissions from 2 submitters: Uncertain significance (2). Last evaluated 2024-10-29.

Conditions:
RASopathy. Also called: Noonan spectrum disorder; rasopathies. Identifiers: Orphanet 536391, MedGen C5555857, MONDO:0021060.

Submissions (2):

Labcorp Genetics (formerly Invitae), Labcorp
Classification: Uncertain significance for RASopathy. Last evaluated: 2024-10-29. Review status: criteria provided, single submitter. Criteria: Invitae Variant Classification Sherloc (09022015). Collection method: clinical testing. Allele origin: germline.
Comment: This sequence change replaces threonine, which is neutral and polar, with isoleucine, which is neutral and non-polar, at codon 543 of the PTPN11 protein (p.Thr543Ile). This variant is not present in population databases (gnomAD no frequency). This missense change has been observed in individual(s) with clinical features of PTPN11-related conditions (PMID: 27763634). ClinVar contains an entry for this variant (Variation ID: 378880). Invitae Evidence Modeling of protein sequence and biophysical properties (such as structural, functional, and spatial information, amino acid conservation, physicochemical variation, residue mobility, and thermodynamic stability) indicates that this missense variant is not expected to disrupt PTPN11 protein function with a negative predictive value of 80%. In summary, the available evidence is currently insufficient to determine the role of this variant in disease. Therefore, it has been classified as a Variant of Uncertain Significance.

GeneDx
Classification: Uncertain significance. Last evaluated: 2017-01-05. Review status: criteria provided, single submitter. Criteria: GeneDx Variant Classification (06012015). Collection method: clinical testing. Allele origin: germline. Affected: yes.
Comment: The T543I variant has been identified as a variant of uncertain significance in a patient referred for clinical testing for a RASopathy (Bhoj et al., 2016). The T543I variant was not observed in approximately 6,500 individuals of European and African American ancestry in the NHLBI Exome Sequencing Project, indicating it is not a common benign variant in these populations. The T543I variant is a non-conservative amino acid substitution, which is likely to impact secondary protein structure as these residues differ in polarity, charge, size and/or other properties. This substitution occurs at a position that is conserved across species. In silico analysis predicts this variant is probably damaging to the protein structure/function. Missense variants in nearby residues have not been reported in the Human Gene Mutation Database (Stenson et al., 2014). Based on the currently available information, it is unclear whether this variant is a pathogenic variant or a rare benign variant.

Literature cited by the submitters: PubMed 27763634 (cited by Labcorp Genetics (formerly Invitae), Labcorp).